The following is an entry in ClinVar:

ClinVar aggregate classification (germline): Conflicting classifications of pathogenicity. Review status: criteria provided, conflicting classifications (1 of 4 stars). 7 submissions from 7 submitters: Uncertain significance (6); Likely benign (1). Last evaluated 2026-01-27.

Conditions:
Cardiovascular phenotype. Identifiers: MedGen CN230736.
Cutis laxa, autosomal recessive, type 1B (ARCL1B). Also called: EFEMP2-Related Cutis Laxa; CUTIS LAXA, AUTOSOMAL RECESSIVE, TYPE IB. Identifiers: Orphanet 90349, MedGen C3280798, MONDO:0013754, OMIM 614437. Disease mechanism: loss of function.

Allele frequency attached by ClinVar (database versions not stated): gnomAD exomes 0.00018; ExAC 0.00021; ESP Exome Variant Server 0.00023; gnomAD 0.00035 and 0.00037; TOPMed 0.00037.
gnomAD v4.1: 187 of 1,613,912 alleles (0.012%); highest among the groups gnomAD compares: African/African-American, 0.08%; no homozygotes.

Submissions (7):

Labcorp Genetics (formerly Invitae), Labcorp
Classification: Likely benign for Cutis laxa, autosomal recessive, type 1B. Last evaluated: 2026-01-27. Review status: criteria provided, single submitter. Criteria: Invitae Variant Classification Sherloc (09022015). Collection method: clinical testing. Allele origin: germline.

Ambry Genetics
Classification: Uncertain significance for Cardiovascular phenotype. Last evaluated: 2025-05-05. Review status: criteria provided, single submitter. Criteria: Ambry Variant Classification Scheme 2023. Collection method: clinical testing. Allele origin: germline.
Comment: The p.V87I variant (also known as c.259G>A), located in coding exon 3 of the EFEMP2 gene, results from a G to A substitution at nucleotide position 259. The valine at codon 87 is replaced by isoleucine, an amino acid with highly similar properties. This amino acid position is well conserved in available vertebrate species. In addition, this alteration is predicted to be tolerated by in silico analysis. Since supporting evidence is limited at this time, the clinical significance of this alteration remains unclear.

Women's Health and Genetics/Laboratory Corporation of America, LabCorp
Classification: Uncertain significance. Last evaluated: 2024-07-28. Review status: criteria provided, single submitter. Criteria: LabCorp Variant Classification Summary - May 2015. Collection method: clinical testing. Allele origin: germline.

GeneDx
Classification: Uncertain significance. Last evaluated: 2023-12-04. Review status: criteria provided, single submitter. Criteria: GeneDx Variant Classification Process June 2021. Collection method: clinical testing. Allele origin: germline. Affected: yes.
Comment: In silico analysis supports that this missense variant does not alter protein structure/function; Has not been previously published as pathogenic or benign to our knowledge

ARUP Laboratories, Molecular Genetics and Genomics, ARUP Laboratories
Classification: Uncertain significance for Cutis laxa, autosomal recessive, type 1B. Last evaluated: 2023-12-01. Review status: criteria provided, single submitter. Criteria: ARUP Molecular Germline Variant Investigation Process 2024. Collection method: clinical testing. Allele origin: germline.
Comment: The EFEMP2 c.259G>A; p.Val87Ile variant (rs149525720), to our knowledge, is not reported in the medical literature but is reported in ClinVar (Variation ID: 650013). This variant is found in the general population with an overall allele frequency of 0.02% (57/282,826 alleles) in the Genome Aggregation Database (v2.1.1). Computational analyses are uncertain whether this variant is neutral or deleterious (REVEL: 0.336). Due to limited information, the clinical significance of this variant is uncertain at this time.

Mayo Clinic Laboratories, Mayo Clinic
Classification: Uncertain significance. Last evaluated: 2023-02-24. Review status: criteria provided, single submitter. Criteria: ACMG Guidelines, 2015. Collection method: clinical testing. Allele origin: germline. Observed: 1 variant allele.

Center for Genomics, Ann and Robert H. Lurie Children's Hospital of Chicago
Classification: Uncertain significance for Cutis laxa, autosomal recessive, type 1B. Last evaluated: 2023-01-04. Review status: criteria provided, single submitter. Criteria: ACMG Guidelines, 2015. Collection method: clinical testing. Allele origin: germline.
Comment: This variant has not been reported in the literature but is present in the Genome Aggregation Database (Highest reported MAF: 0.09% [39/41442]), and in ClinVar (Variation ID: 650013). Evolutionary conservation and computational prediction tools suggest that this variant may not impact protein function. In summary, data on this variant is insufficient for disease classification. Therefore, the clinical significance of this variant is uncertain.

NM_016938.5(EFEMP2):c.259G>A (p.Val87Ile)

Gene: EFEMP2 (EGF-like fibulin extracellular matrix protein 2; minus strand). Cytogenetic location: 11q13.1.
Variant type: single nucleotide variant.
Coding change: c.259G>A on transcript NM_016938.5 (MANE Select); coding-DNA position 259, G replaced by A.
Protein change: p.Val87Ile; replaces valine 87 with isoleucine.
Molecular consequence: missense variant. On other transcripts: non-coding transcript variant (1).
Genome position (GRCh38, 1-based): chr11:65,871,265, C>T on the plus strand (G>A on the coding strand, the complement: EFEMP2 is on the minus strand). VCF-style: chr11-65871265-C-T. GRCh37 (hg19) VCF-style: chr11-65638736-C-T.
Other names: p.Val87Ile; short protein forms V87I.
Identifiers: ClinVar variation 650013 (VCV000650013.18), dbSNP rs149525720, ClinGen allele CA6110735.